The following is an entry in ClinVar:

NM_001129.5(AEBP1):c.1288G>A (p.Asp430Asn)

Gene: AEBP1 (AE binding protein 1; plus strand). Cytogenetic location: 7p13.
Variant type: single nucleotide variant.
Coding change: c.1288G>A on transcript NM_001129.5 (MANE Select); coding-DNA position 1288, G replaced by A.
Protein change: p.Asp430Asn; replaces aspartic acid 430 with asparagine.
Molecular consequence: missense variant.
Genome position (GRCh38, 1-based): chr7:44,110,234, G>A. VCF-style: chr7-44110234-G-A. GRCh37 (hg19) VCF-style: chr7-44149833-G-A.
Other names: short protein forms D430N.
Identifiers: ClinVar variation 4847565 (VCV004847565.1).
Genomic context (GRCh38, chr7:44,110,234, plus strand): 5'-GCCCATGCTCAGCCTCCCCTGCCCCCTGGACAGACCGGTGCCACTGAGGACGACTACTAT[G>A]ATGGTGCGTGGTGTGCCGAGGACGATGCCAGGACCCAGTGGATAGAGGTGGACACCAGGA-3'
Protein context (NP_001120.3, residues 420-440): QTGATEDDYY[Asp430Asn]GAWCAEDDAR

ClinVar aggregate classification (germline): Uncertain significance (1 of 4 stars; one submission).

gnomAD v4.1: 2 of 1,613,786 alleles (0.00012%); highest among the groups gnomAD compares: Non-Finnish European, 0.00017%; no homozygotes.

Submission:

Women's Health and Genetics/Laboratory Corporation of America, LabCorp
Classification: Uncertain significance. Last evaluated: 2026-03-02. Review status: criteria provided, single submitter. Criteria: LabCorp Variant Classification Summary - May 2015. Collection method: clinical testing. Allele origin: germline.
Comment: Variant summary: AEBP1 c.1288G>A (p.Asp430Asn) results in a conservative amino acid change in the encoded protein sequence. Algorithms developed to predict the effect of missense changes on protein structure and function are either unavailable or do not agree on the potential impact of this missense change. The variant was absent in 250860 control chromosomes. The available data on variant occurrences in the general population are insufficient to allow any conclusion about variant significance. To our knowledge, no occurrence of c.1288G>A in individuals affected with AEBP1-related conditions and no experimental evidence demonstrating its impact on protein function have been reported. No submitters have cited clinical-significance assessments for this variant to ClinVar. Based on the evidence outlined above, the variant was classified as uncertain significance.